The following is an entry in ClinVar:

ClinVar aggregate classification (germline): Uncertain significance (1 of 4 stars; one submission).

Conditions:
Combined oxidative phosphorylation deficiency 55 (COXPD55). Identifiers: MedGen C5676915, MONDO:0859228, OMIM 619743.

gnomAD v4.1: 9 of 1,598,258 alleles (0.00056%); highest among the groups gnomAD compares: African/African-American, 0.011%; no homozygotes.

Submission:

Clinical Genomics Laboratory, Washington University in St. Louis
Classification: Uncertain significance for Combined oxidative phosphorylation deficiency 55. Last evaluated: 2026-03-27. Review status: criteria provided, single submitter. Criteria: ACMG Guidelines, 2015. Collection method: clinical testing. Allele origin: germline.
Comment: The POLRMT c.2860G>T (p.Asp954Tyr) variant, to our knowledge, has not been reported in the medical literature. This variant is only observed in 3/221,850 alleles in the general population (gnomAD v2.1.1), indicating it is not a common variant. Computational predictors indicate that the variant is damaging, evidence that correlates with the impact on POLRMT function. Due to limited information, and based on ACMG/AMP guidelines for variant interpretation (Richards S et al., PMID: 25741868), the clinical significance of this variant is uncertain at this time.

NM_005035.4(POLRMT):c.2860G>T (p.Asp954Tyr)

Gene: POLRMT (RNA polymerase mitochondrial; minus strand). Cytogenetic location: 19p13.3.
Variant type: single nucleotide variant.
Coding change: c.2860G>T on transcript NM_005035.4 (MANE Select); coding-DNA position 2860, G replaced by T.
Protein change: p.Asp954Tyr; replaces aspartic acid 954 with tyrosine.
Molecular consequence: missense variant. On other transcripts: non-coding transcript variant (1).
Genome position (GRCh38, 1-based): chr19:619,984, C>A on the plus strand (G>T on the coding strand, the complement: POLRMT is on the minus strand). VCF-style: chr19-619984-C-A. GRCh37 (hg19) VCF-style: chr19-619984-C-A.
Other names: c.2860G>T, p.Asp954Tyr (NM_001407805.1, NM_001407808.1, NM_001407812.1 and 3 more transcripts); c.2851G>T, p.Asp951Tyr (NM_001407806.1, NM_001407809.1); c.2848G>T, p.Asp950Tyr (NM_001407807.1, NM_001407810.1); c.2818G>T, p.Asp940Tyr (NM_001407811.1, NM_001407813.1); c.2737G>T, p.Asp913Tyr (NM_001407829.1); c.2635G>T, p.Asp879Tyr (NM_001407830.1, NM_001407832.1); c.2536G>T, p.Asp846Tyr (NM_001407831.1, NM_001407833.1, NM_001407835.1 and 1 more transcripts); c.2527G>T, p.Asp843Tyr (NM_001407834.1); short protein forms D843Y, D846Y, D879Y, D913Y, D940Y, D950Y, D951Y, D954Y.
Identifiers: ClinVar variation 4879257 (VCV004879257.1).